The following is an entry in ClinVar:

NM_000540.3(RYR1):c.5981G>C (p.Arg1994Pro)

Gene: RYR1 (ryanodine receptor 1; plus strand). Cytogenetic location: 19q13.2.
Variant type: single nucleotide variant.
Coding change: c.5981G>C on transcript NM_000540.3 (MANE Select); coding-DNA position 5981, G replaced by C.
Protein change: p.Arg1994Pro; replaces arginine 1994 with proline.
Molecular consequence: missense variant.
Genome position (GRCh38, 1-based): chr19:38,490,242, G>C. VCF-style: chr19-38490242-G-C. GRCh37 (hg19) VCF-style: chr19-38980882-G-C.
Other names: c.5981G>C, p.Arg1994Pro (NM_001042723.2); short protein forms R1994P.
Identifiers: ClinVar variation 2106146 (VCV002106146.4), dbSNP rs568165729, ClinGen allele CA308097520.
Genomic context (GRCh38, chr19:38,490,242, plus strand): 5'-GGAGCCGCTATGGCCTCCTCATAAAAGCCTTCAGCATGACCGCAGCAGAGACTGCAAGAC[G>C]TACCCGCGAGTTCCGCTCCCCACCCCAGGAACAGGTCATCTGACCCCTGACGCTGGCCAC-3'
Protein context (NP_000531.2, residues 1984-2004): FSMTAAETAR[Arg1994Pro]TREFRSPPQE

ClinVar aggregate classification (germline): Uncertain significance (1 of 4 stars; one submission).

Conditions:
RYR1-related disorder. Also called: RYR1-related condition; RYR1-related disorders. Identifiers: MedGen CN239331.

gnomAD v4.1: 1 of 1,614,116 alleles (0.000062%); highest among the groups gnomAD compares: Non-Finnish European, 0.000085%; no homozygotes.

Submission:

Labcorp Genetics (formerly Invitae), Labcorp
Classification: Uncertain significance for RYR1-related disorder. Last evaluated: 2022-09-27. Review status: criteria provided, single submitter. Criteria: Invitae Variant Classification Sherloc (09022015). Collection method: clinical testing. Allele origin: germline.
Comment: In summary, the available evidence is currently insufficient to determine the role of this variant in disease. Therefore, it has been classified as a Variant of Uncertain Significance. Algorithms developed to predict the effect of sequence changes on RNA splicing suggest that this variant may disrupt the consensus splice site. Advanced modeling of protein sequence and biophysical properties (such as structural, functional, and spatial information, amino acid conservation, physicochemical variation, residue mobility, and thermodynamic stability) performed at Invitae indicates that this missense variant is not expected to disrupt RYR1 protein function. This variant has not been reported in the literature in individuals affected with RYR1-related conditions. This variant is not present in population databases (gnomAD no frequency). This sequence change replaces arginine, which is basic and polar, with proline, which is neutral and non-polar, at codon 1994 of the RYR1 protein (p.Arg1994Pro).